The following is an entry in ClinVar:

ClinVar aggregate classification (germline): Likely pathogenic (1 of 4 stars; one submission).

Conditions:
JAG1-related disorder. Also called: JAG1-related condition; JAG1-related disorders.

Submission:

PreventionGenetics, part of Exact Sciences
Classification: Likely pathogenic for JAG1-related condition. Last evaluated: 2024-10-16. Review status: criteria provided, single submitter. Criteria: ACMG Guidelines, 2015. Collection method: clinical testing. Allele origin: germline.
Comment: The JAG1 c.533_534delAC variant is predicted to result in a frameshift and premature protein termination (p.His178Leufs*2). To our knowledge, this variant has not been reported in the literature or in a large population database (gnomAD), indicating this variant is rare. Frameshift variants in JAG1 are expected to be pathogenic. This variant is interpreted as likely pathogenic.

NM_000214.3(JAG1):c.533_534del (p.His178fs)

Gene: JAG1 (jagged canonical Notch ligand 1; minus strand). Cytogenetic location: 20p12.2.
Variant type: Deletion.
Coding change: c.533_534del on transcript NM_000214.3 (MANE Select); coding-DNA positions 533 to 534, 2 bases deleted (AC; older notation c.533_534delAC).
Protein change: p.His178fs; shifts the reading frame from histidine 178.
Molecular consequence: frameshift variant.
Genome position (GRCh38, 1-based): chr20:10,658,628-10,658,629, GT deleted on the plus strand (AC on the coding strand, the reverse complement: JAG1 is on the minus strand); deleting any 2 consecutive bases within chr20:10,658,628-10,658,630 gives the same sequence; the c. name uses the placement nearest the transcript's 3' end. VCF-style (leftmost placement, unchanged base first): chr20-10658627-AGT-A. GRCh37 (hg19) VCF-style: chr20-10639275-AGT-A.
Other names: short protein forms H178fs.
Identifiers: ClinVar variation 4997112 (VCV004997112.1).